The following is an entry in ClinVar:

ClinVar aggregate classification (germline): Uncertain significance. Review status: criteria provided, multiple submitters, no conflicts (2 of 4 stars). 4 submissions from 4 submitters: Uncertain significance (4). Last evaluated 2024-11-15.

Conditions:
Inborn genetic diseases. Identifiers: MedGen C0950123, MeSH D030342.
Anterior segment dysgenesis 7 (ASGD7). Also called: SCLEROCORNEA WITH OTHER OCULAR ANOMALIES; Anterior segment dysgenesis 7, with sclerocornea. Identifiers: Orphanet 289499, MedGen C3151617, MONDO:0010015, OMIM 269400.

Allele frequency attached by ClinVar (database versions not stated): TOPMed 0.00022; gnomAD exomes 0.00024; ExAC 0.00025; gnomAD 0.00026 and 0.00028; ESP Exome Variant Server 0.00039.
gnomAD v4.1: 616 of 1,613,838 alleles (0.038%); highest among the groups gnomAD compares: Non-Finnish European, 0.049%; 1 homozygote.

Submissions (4):

Labcorp Genetics (formerly Invitae), Labcorp
Classification: Uncertain significance for Anterior segment dysgenesis 7. Last evaluated: 2024-11-15. Review status: criteria provided, single submitter. Criteria: Invitae Variant Classification Sherloc (09022015). Collection method: clinical testing. Allele origin: germline.
Comment: This sequence change replaces arginine, which is basic and polar, with cysteine, which is neutral and slightly polar, at codon 1376 of the PXDN protein (p.Arg1376Cys). This variant is present in population databases (rs202081704, gnomAD 0.05%). This variant has not been reported in the literature in individuals affected with PXDN-related conditions. ClinVar contains an entry for this variant (Variation ID: 392944). Invitae Evidence Modeling of protein sequence and biophysical properties (such as structural, functional, and spatial information, amino acid conservation, physicochemical variation, residue mobility, and thermodynamic stability) indicates that this missense variant is not expected to disrupt PXDN protein function with a negative predictive value of 80%. In summary, the available evidence is currently insufficient to determine the role of this variant in disease. Therefore, it has been classified as a Variant of Uncertain Significance.

Blueprint Genetics
Classification: Uncertain significance. Last evaluated: 2024-10-03. Review status: criteria provided, single submitter. Criteria: ACMG Guidelines, 2015. Collection method: clinical testing. Allele origin: germline.

Ambry Genetics
Classification: Uncertain significance for Inborn genetic diseases. Last evaluated: 2024-04-20. Review status: criteria provided, single submitter. Criteria: Ambry Variant Classification Scheme 2023. Collection method: clinical testing. Allele origin: germline.

GeneDx
Classification: Uncertain significance. Last evaluated: 2022-03-03. Review status: criteria provided, single submitter. Criteria: GeneDx Variant Classification Process June 2021. Collection method: clinical testing. Allele origin: germline. Affected: yes.
Comment: In silico analysis supports that this missense variant does not alter protein structure/function; Has not been previously published as pathogenic or benign to our knowledge

NM_012293.3(PXDN):c.4126C>T (p.Arg1376Cys)

Gene: PXDN (peroxidasin; minus strand). Cytogenetic location: 2p25.3.
Variant type: single nucleotide variant.
Coding change: c.4126C>T on transcript NM_012293.3 (MANE Select); coding-DNA position 4126, C replaced by T.
Protein change: p.Arg1376Cys; replaces arginine 1376 with cysteine.
Molecular consequence: missense variant.
Genome position (GRCh38, 1-based): chr2:1,638,926, G>A on the plus strand (C>T on the coding strand, the complement: PXDN is on the minus strand). VCF-style: chr2-1638926-G-A. GRCh37 (hg19) VCF-style: chr2-1642698-G-A.
Other names: short protein forms R1376C.
Identifiers: ClinVar variation 392944 (VCV000392944.7), dbSNP rs202081704, ClinGen allele CA1512504.
Genomic context (GRCh38, chr2:1,638,926, plus strand): 5'-TGGTCTTCTGCATTTCCAGAACAAACTCTCTGAAGTCATTTGTCCCAGATGCATCTGAGC[G>A]TGTGCTGAAGGCTGAGGTGCTGTTGCTGAGATGTTCCCCCTGTCTCCCAACACTGTGGTG-3'
Protein context (NP_036425.1, residues 1366-1386): LSNSTSAFST[Arg1376Cys]SDASGTNDFR